The following is an entry in ClinVar:

NM_003737.4(DCHS1):c.8051G>A (p.Gly2684Asp)

Gene: DCHS1 (dachsous cadherin-related 1; minus strand). Cytogenetic location: 11p15.4.
Variant type: single nucleotide variant.
Coding change: c.8051G>A on transcript NM_003737.4 (MANE Select); coding-DNA position 8051, G replaced by A.
Protein change: p.Gly2684Asp; replaces glycine 2684 with aspartic acid.
Molecular consequence: missense variant.
Genome position (GRCh38, 1-based): chr11:6,623,625, C>T on the plus strand (G>A on the coding strand, the complement: DCHS1 is on the minus strand). VCF-style: chr11-6623625-C-T. GRCh37 (hg19) VCF-style: chr11-6644856-C-T.
Other names: short protein forms G2684D.
Identifiers: ClinVar variation 1311696 (VCV001311696.2), dbSNP rs2134611036, ClinGen allele CA379481823.
Genomic context (GRCh38, chr11:6,623,625, plus strand): 5'-GGGCCATGATCATTCACATCCTGGACCTCAATTGTCACTGGTGCCAAAGCAAAGTGTGCA[C>T]CAGCAGGGTCAGCAGCCTGTACTACAAGCTGATGTCGAGCCTGGGTCTCACAGTCCAGGG-3'
Protein context (NP_003728.1, residues 2674-2694): QLVVQAADPA[Gly2684Asp]AHFALAPVTI

ClinVar aggregate classification (germline): Uncertain significance (1 of 4 stars; one submission).

Allele frequency attached by ClinVar (database versions not stated): gnomAD exomes below 0.00001.
gnomAD v4.1: 1 of 1,613,824 alleles (0.000062%); highest among the groups gnomAD compares: Non-Finnish European, 0.000085%; no homozygotes.

Submission:

GeneDx
Classification: Uncertain significance. Last evaluated: 2020-02-07. Review status: criteria provided, single submitter. Criteria: GeneDx Variant Classification Process June 2021. Collection method: clinical testing. Allele origin: germline. Affected: yes.
Comment: Not observed in large population cohorts (Lek et al., 2016); In silico analysis supports that this missense variant does not alter protein structure/function; Has not been previously published as pathogenic or benign to our knowledge